The following is an entry in ClinVar:

ClinVar aggregate classification (germline): Conflicting classifications of pathogenicity. Review status: criteria provided, conflicting classifications (1 of 4 stars). 6 submissions from 6 submitters: Uncertain significance (5); Likely benign (1). Last evaluated 2026-08-10.

Conditions:
Cholestanol storage disease (CTX). Also called: CEREBRAL CHOLESTERINOSIS; Cerebrotendinous Xanthomatosis; CTX: Cerebrotendinous xanthomatosis. Identifiers: Orphanet 909, MedGen C0238052, MONDO:0008948, OMIM 213700.
CYP27A1-related disorder. Also called: CYP27A1-related condition.
Cardiovascular phenotype. Identifiers: MedGen CN230736.

Allele frequency attached by ClinVar (database versions not stated): gnomAD 0.00006 and 0.00007; ExAC 0.00008; TOPMed 0.00008; gnomAD exomes 0.00009 and 0.00011; ESP Exome Variant Server 0.00015.
gnomAD v4.1: 170 of 1,614,100 alleles (0.011%); highest among the groups gnomAD compares: Non-Finnish European, 0.013%; no homozygotes.

Submissions (6):

PreventionGenetics, part of Exact Sciences
Classification: Uncertain significance for CYP27A1-related condition. Last evaluated: 2026-08-10. Review status: criteria provided, single submitter. Criteria: ACMG Guidelines, 2015. Collection method: clinical testing. Allele origin: germline.
Comment: The CYP27A1 c.536A>G variant is predicted to result in the amino acid substitution p.Asn179Ser. To our knowledge, this variant has not been reported in the literature. This variant is reported in 0.020% of alleles in individuals of South Asian descent in gnomAD. At this time, the clinical significance of this variant is uncertain due to the absence of conclusive functional and genetic evidence.

Labcorp Genetics (formerly Invitae), Labcorp
Classification: Likely benign for Cholestanol storage disease. Last evaluated: 2026-01-24. Review status: criteria provided, single submitter. Criteria: Invitae Variant Classification Sherloc (09022015). Collection method: clinical testing. Allele origin: germline.

GeneDx
Classification: Uncertain significance. Last evaluated: 2024-03-15. Review status: criteria provided, single submitter. Criteria: GeneDx Variant Classification Process June 2021. Collection method: clinical testing. Allele origin: germline. Affected: yes.
Comment: In silico analysis supports that this missense variant has a deleterious effect on protein structure/function; Has not been previously published as pathogenic or benign to our knowledge

Ambry Genetics
Classification: Uncertain significance for Cardiovascular phenotype. Last evaluated: 2024-01-23. Review status: criteria provided, single submitter. Criteria: Ambry Variant Classification Scheme 2023. Collection method: clinical testing. Allele origin: germline.
Comment: The p.N179S variant (also known as c.536A>G), located in coding exon 3 of the CYP27A1 gene, results from an A to G substitution at nucleotide position 536. The asparagine at codon 179 is replaced by serine, an amino acid with highly similar properties. This amino acid position is conserved. In addition, this alteration is predicted to be tolerated by in silico analysis. Since supporting evidence is limited at this time, the clinical significance of this alteration remains unclear.

Illumina Laboratory Services, Illumina
Classification: Uncertain significance for Cholestanol storage disease. Last evaluated: 2018-01-12. Review status: criteria provided, single submitter. Criteria: ICSL Variant Classification Criteria 13 December 2019. Collection method: clinical testing. Allele origin: germline.

Eurofins Ntd Llc (ga)
Classification: Uncertain significance. Last evaluated: 2016-05-03. Review status: criteria provided, single submitter. Criteria: EGL Classification Definitions 2015. Collection method: clinical testing. Allele origin: germline. Observed: 3 variant alleles, 3 heterozygotes.

NM_000784.4(CYP27A1):c.536A>G (p.Asn179Ser)

Gene: CYP27A1 (cytochrome P450 family 27 subfamily A member 1; plus strand). Cytogenetic location: 2q35.
Variant type: single nucleotide variant.
Coding change: c.536A>G on transcript NM_000784.4 (MANE Select); coding-DNA position 536, A replaced by G.
Protein change: p.Asn179Ser; replaces asparagine 179 with serine.
Molecular consequence: missense variant.
Genome position (GRCh38, 1-based): chr2:218,812,311, A>G. VCF-style: chr2-218812311-A-G. GRCh37 (hg19) VCF-style: chr2-219677034-A-G.
Other names: short protein forms N179S.
Identifiers: ClinVar variation 287928 (VCV000287928.21), dbSNP rs145080072, ClinGen allele CA2112641.